The following is an entry in ClinVar:

ClinVar aggregate classification (germline): Uncertain significance (1 of 4 stars; one submission).

Conditions:
Inborn genetic diseases. Identifiers: MedGen C0950123, MeSH D030342.

Submission:

Ambry Genetics
Classification: Uncertain significance for Inborn genetic diseases. Last evaluated: 2025-06-08. Review status: criteria provided, single submitter. Criteria: Ambry Variant Classification Scheme 2023. Collection method: clinical testing. Allele origin: germline.
Comment: The p.G493D variant (also known as c.1478G>A), located in coding exon 8 of the MECOM gene, results from a G to A substitution at nucleotide position 1478. The glycine at codon 493 is replaced by aspartic acid, an amino acid with similar properties. This amino acid position is conserved. In addition, the in silico prediction for this alteration is inconclusive. Based on the available evidence, the clinical significance of this variant remains unclear.

NM_004991.4(MECOM):c.1478G>A (p.Gly493Asp)

Gene: MECOM (MDS1 and EVI1 complex locus; minus strand). Cytogenetic location: 3q26.2.
Variant type: single nucleotide variant.
Coding change: c.1478G>A on transcript NM_004991.4 (MANE Select); coding-DNA position 1478, G replaced by A.
Protein change: p.Gly493Asp; replaces glycine 493 with aspartic acid.
Molecular consequence: missense variant. On other transcripts: intron variant (2).
Genome position (GRCh38, 1-based): chr3:169,116,394, C>T on the plus strand (G>A on the coding strand, the complement: MECOM is on the minus strand). VCF-style: chr3-169116394-C-T. GRCh37 (hg19) VCF-style: chr3-168834182-C-T.
Other names: c.1109G>A, p.Gly370Asp (NM_001105077.4); c.914G>A, p.Gly305Asp (NM_001105078.4, NM_001164000.2, NM_001205194.2 and 4 more transcripts); c.917G>A, p.Gly306Asp (NM_001163999.2, NM_001366467.2, NM_001366468.2 and 1 more transcripts); c.1478G>A, p.Gly493Asp (NM_001366466.2); c.1133-627G>A (NM_001366473.2); c.569-627G>A (NM_001366474.2); short protein forms G306D, G370D, G493D, G305D.
Identifiers: ClinVar variation 4053323 (VCV004053323.1).